The following is an entry in ClinVar:

ClinVar aggregate classification (germline): Benign/Likely benign. Review status: criteria provided, multiple submitters, no conflicts (2 of 4 stars). 3 submissions from 3 submitters: Benign (1); Likely benign (1). 1 of the submissions does not count toward it. Last evaluated 2025-11-09.

Conditions:
ABL1-related disorder. Also called: ABL1-related condition.

Allele frequency attached by ClinVar (database versions not stated): ESP Exome Variant Server 0.00054; 1000 Genomes Project 0.00060; 1000 Genomes Project 30x 0.00078.
gnomAD v4.1: 250 of 1,613,214 alleles (0.015%); highest among the groups gnomAD compares: African/African-American, 0.31%; no homozygotes.

Submissions (3):

Labcorp Genetics (formerly Invitae), Labcorp
Classification: Benign. Last evaluated: 2025-11-09. Review status: criteria provided, single submitter. Criteria: Invitae Variant Classification Sherloc (09022015). Collection method: clinical testing. Allele origin: germline.

Blueprint Genetics
Classification: Likely benign. Last evaluated: 2024-10-02. Review status: criteria provided, single submitter. Criteria: ACMG Guidelines, 2015. Collection method: clinical testing. Allele origin: germline.

PreventionGenetics, part of Exact Sciences
Classification: Likely benign for ABL1-related condition. Last evaluated: 2020-01-24. Review status: no assertion criteria provided. Collection method: clinical testing. Allele origin: germline. Not counted in ClinVar's aggregate classification.
Comment: This variant is classified as likely benign based on ACMG/AMP sequence variant interpretation guidelines (Richards et al. 2015 PMID: 25741868, with internal and published modifications).

NM_005157.6(ABL1):c.1674G>A (p.Glu558=)

Gene: ABL1 (ABL proto-oncogene 1, non-receptor tyrosine kinase; plus strand). Cytogenetic location: 9q34.12.
Variant type: single nucleotide variant.
Coding change: c.1674G>A on transcript NM_005157.6 (MANE Select); coding-DNA position 1674, G replaced by A.
Protein change: p.Glu558=; no amino-acid change (glutamic acid 558 retained).
Molecular consequence: synonymous variant.
Genome position (GRCh38, 1-based): chr9:130,880,660, G>A. VCF-style: chr9-130880660-G-A. GRCh37 (hg19) VCF-style: chr9-133756047-G-A.
Other names: c.1731G>A, p.Glu577= (NM_007313.3); c.1731G>A (NM_007313.2).
Identifiers: ClinVar variation 2076251 (VCV002076251.7), dbSNP rs79963149, ClinGen allele CA5285499.